The following is an entry in ClinVar:

ClinVar aggregate classification (germline): Uncertain significance (1 of 4 stars; one submission).

Allele frequency attached by ClinVar (database versions not stated): gnomAD 0.00001; gnomAD exomes 0.00001.
gnomAD v4.1: 10 of 1,607,336 alleles (0.00062%); highest among the groups gnomAD compares: Non-Finnish European, 0.00077%; no homozygotes.

Submission:

Labcorp Genetics (formerly Invitae), Labcorp
Classification: Uncertain significance. Last evaluated: 2022-11-08. Review status: criteria provided, single submitter. Criteria: Invitae Variant Classification Sherloc (09022015). Collection method: clinical testing. Allele origin: germline.
Comment: In summary, the available evidence is currently insufficient to determine the role of this variant in disease. Therefore, it has been classified as a Variant of Uncertain Significance. Advanced modeling of protein sequence and biophysical properties (such as structural, functional, and spatial information, amino acid conservation, physicochemical variation, residue mobility, and thermodynamic stability) performed at Invitae indicates that this missense variant is not expected to disrupt MYO5B protein function. ClinVar contains an entry for this variant (Variation ID: 1484673). This variant has not been reported in the literature in individuals affected with MYO5B-related conditions. This variant is not present in population databases (gnomAD no frequency). This sequence change replaces leucine, which is neutral and non-polar, with isoleucine, which is neutral and non-polar, at codon 314 of the MYO5B protein (p.Leu314Ile).

NM_001080467.3(MYO5B):c.940C>A (p.Leu314Ile)

Gene: MYO5B (myosin VB; minus strand). Cytogenetic location: 18q21.1.
Variant type: single nucleotide variant.
Coding change: c.940C>A on transcript NM_001080467.3 (MANE Select); coding-DNA position 940, C replaced by A.
Protein change: p.Leu314Ile; replaces leucine 314 with isoleucine.
Molecular consequence: missense variant.
Genome position (GRCh38, 1-based): chr18:49,984,724, G>T on the plus strand (C>A on the coding strand, the complement: MYO5B is on the minus strand). VCF-style: chr18-49984724-G-T. GRCh37 (hg19) VCF-style: chr18-47511094-G-T.
Other names: short protein forms L314I.
Identifiers: ClinVar variation 1484673 (VCV001484673.6), dbSNP rs2025852675, ClinGen allele CA402436448.
Genomic context (GRCh38, chr18:49,984,724, plus strand): 5'-CCCTCCGTGCCATCAGCCCTCGGGGCCTGCTTCCCCAACTAAGAAGCTCCTTACCGAGGA[G>T]TGTGAAGGCTTGTCGAGTCTTCTCAAAGTCCTCAGCATCGTCCACACCCTCGATGGAAGT-3'
Protein context (NP_001073936.1, residues 304-324): DFEKTRQAFT[Leu314Ile]LGVKESHQMS